The following is an entry in ClinVar:

ClinVar aggregate classification (germline): Conflicting classifications of pathogenicity. Review status: criteria provided, conflicting classifications (1 of 4 stars). 4 submissions from 4 submitters: Uncertain significance (3); Likely benign (1). Last evaluated 2026-02-28.

Conditions:
PKD1-related disorder. Also called: PKD1-related condition.
Inborn genetic diseases. Identifiers: MedGen C0950123, MeSH D030342.
Polycystic kidney disease, adult type (PKD1). Also called: POLYCYSTIC KIDNEY DISEASE, ADULT, TYPE I; Polycystic Kidney Disease 1, Autosomal Dominant; Polycystic kidney disease 1; Polycystic kidney disease 1, severe; Polycystic Kidney, Autosomal Dominant; POLYCYSTIC KIDNEY DISEASE 1 WITH OR WITHOUT POLYCYSTIC LIVER DISEASE. Identifiers: MedGen C3149841, MONDO:0008263, OMIM 173900.

Allele frequency attached by ClinVar (database versions not stated): gnomAD exomes 0.00003 and 0.00005; TOPMed 0.00005; gnomAD 0.00006 and 0.00007; ExAC 0.00008.
gnomAD v4.1: 59 of 1,570,626 alleles (0.0038%); highest among the groups gnomAD compares: Non-Finnish European, 0.0011%; no homozygotes.

Submissions (4):

PreventionGenetics, part of Exact Sciences
Classification: Likely benign for PKD1-related condition. Last evaluated: 2026-02-28. Review status: criteria provided, single submitter. Criteria: ACMG Guidelines, 2015. Collection method: clinical testing. Allele origin: germline.
Comment: This variant is classified as likely benign based on ACMG/AMP sequence variant interpretation guidelines (Richards et al. 2015 PMID: 25741868, with internal and published modifications).

Fulgent Genetics
Classification: Uncertain significance for Polycystic kidney disease, adult type. Last evaluated: 2022-01-03. Review status: criteria provided, single submitter. Criteria: ACMG Guidelines, 2015. Collection method: clinical testing. Allele origin: unknown.

Ambry Genetics
Classification: Uncertain significance for Inborn genetic diseases. Last evaluated: 2021-08-02. Review status: criteria provided, single submitter. Criteria: Ambry Variant Classification Scheme 2023. Collection method: clinical testing. Allele origin: germline.

GeneDx
Classification: Uncertain significance. Last evaluated: 2021-02-08. Review status: criteria provided, single submitter. Criteria: GeneDx Variant Classification Process June 2021. Collection method: clinical testing. Allele origin: germline. Affected: yes.
Comment: In silico analysis supports that this missense variant does not alter protein structure/function; Has not been previously published as pathogenic or benign to our knowledge

NM_001009944.3(PKD1):c.6403G>A (p.Ala2135Thr)

Gene: PKD1 (polycystin 1, transient receptor potential channel interacting; minus strand). Cytogenetic location: 16p13.3.
Variant type: single nucleotide variant.
Coding change: c.6403G>A on transcript NM_001009944.3 (MANE Select); coding-DNA position 6403, G replaced by A.
Protein change: p.Ala2135Thr; replaces alanine 2135 with threonine.
Molecular consequence: missense variant.
Genome position (GRCh38, 1-based): chr16:2,108,764, C>T on the plus strand (G>A on the coding strand, the complement: PKD1 is on the minus strand). VCF-style: chr16-2108764-C-T. GRCh37 (hg19) VCF-style: chr16-2158765-C-T.
Other names: c.6403G>A (NM_000296.3); c.6403G>A, p.Ala2135Thr (NM_000296.4); short protein forms A2135T.
Identifiers: ClinVar variation 1307937 (VCV001307937.6), dbSNP rs779342040, ClinGen allele CA7831612.